The following is an entry in ClinVar:

ClinVar aggregate classification (germline): Uncertain significance (1 of 4 stars; one submission).

Submission:

GeneDx
Classification: Uncertain significance. Last evaluated: 2022-08-17. Review status: criteria provided, single submitter. Criteria: GeneDx Variant Classification Process June 2021. Collection method: clinical testing. Allele origin: germline. Affected: yes.
Comment: Not observed at significant frequency in large population cohorts (gnomAD); Nonsense variant predicted to result in protein truncation or nonsense mediated decay in a gene or region of a gene for which loss of function is not a well-established mechanism of disease; Has not been previously published as pathogenic or benign to our knowledge; Variants in candidate genes are classified as variants of uncertain significance in accordance with ACMG guidelines (Richards et al., 2015)

NM_001113407.3(LDB1):c.613C>T (p.Arg205Ter)

Gene: LDB1 (LIM domain binding 1; minus strand). Cytogenetic location: 10q24.32.
Variant type: single nucleotide variant.
Coding change: c.613C>T on transcript NM_001113407.3 (MANE Select); coding-DNA position 613, C replaced by T.
Protein change: p.Arg205Ter; replaces arginine 205 with a stop codon.
Molecular consequence: nonsense.
Genome position (GRCh38, 1-based): chr10:102,109,956, G>A on the plus strand (C>T on the coding strand, the complement: LDB1 is on the minus strand). VCF-style: chr10-102109956-G-A. GRCh37 (hg19) VCF-style: chr10-103869713-G-A.
Other names: c.613C>T, p.Arg205Ter (NM_001321612.2); c.505C>T, p.Arg169Ter (NM_003893.5); short protein forms R169*, R205*.
Identifiers: ClinVar variation 3602234 (VCV003602234.1).